The following is an entry in ClinVar:

NM_000057.4(BLM):c.4133G>C (p.Gly1378Ala)

Gene: BLM (BLM RecQ like helicase; plus strand). Cytogenetic location: 15q26.1.
Variant type: single nucleotide variant.
Coding change: c.4133G>C on transcript NM_000057.4 (MANE Select); coding-DNA position 4133, G replaced by C.
Protein change: p.Gly1378Ala; replaces glycine 1378 with alanine.
Molecular consequence: missense variant.
Genome position (GRCh38, 1-based): chr15:90,815,158, G>C. VCF-style: chr15-90815158-G-C. GRCh37 (hg19) VCF-style: chr15-91358388-G-C.
Other names: c.4133G>C, p.Gly1378Ala (NM_001287246.2); c.3740G>C, p.Gly1247Ala (NM_001287247.2); c.3008G>C, p.Gly1003Ala (NM_001287248.2); short protein forms G1247A, G1003A, G1378A.
Identifiers: ClinVar variation 1738100 (VCV001738100.3), dbSNP rs2505575330, ClinGen allele CA393852261.

ClinVar aggregate classification (germline): Uncertain significance. Review status: criteria provided, multiple submitters, no conflicts (2 of 4 stars). 2 submissions from 2 submitters: Uncertain significance (2). Last evaluated 2025-11-14.

Conditions:
Hereditary cancer-predisposing syndrome. Also called: Neoplastic Syndromes, Hereditary; Tumor predisposition; Hereditary Cancer Syndrome; Hereditary neoplastic syndrome. Identifiers: Orphanet 140162, MedGen C0027672, MeSH D009386, MONDO:0015356.
Bloom syndrome (BLM). Also called: Bloom-Torre-Machacek syndrome. Identifiers: Orphanet 125, MedGen C0005859, MONDO:0008876, OMIM 210900.

Submissions (2):

Labcorp Genetics (formerly Invitae), Labcorp
Classification: Uncertain significance for Bloom syndrome. Last evaluated: 2025-11-14. Review status: criteria provided, single submitter. Criteria: Invitae Variant Classification Sherloc (09022015). Collection method: clinical testing. Allele origin: germline.
Comment: This sequence change replaces glycine, which is neutral and non-polar, with alanine, which is neutral and non-polar, at codon 1378 of the BLM protein (p.Gly1378Ala). This variant is not present in population databases (gnomAD no frequency). This variant has not been reported in the literature in individuals affected with BLM-related conditions. ClinVar contains an entry for this variant (Variation ID: 1738100). An algorithm developed to predict the effect of missense changes on protein structure and function (PolyPhen-2) suggests that this variant is likely to be tolerated. In summary, the available evidence is currently insufficient to determine the role of this variant in disease. Therefore, it has been classified as a Variant of Uncertain Significance.

Ambry Genetics
Classification: Uncertain significance for Hereditary cancer-predisposing syndrome. Last evaluated: 2020-09-23. Review status: criteria provided, single submitter. Criteria: Ambry Variant Classification Scheme 2023. Collection method: clinical testing. Allele origin: germline.
Comment: The p.G1378A variant (also known as c.4133G>C), located in coding exon 21 of the BLM gene, results from a G to C substitution at nucleotide position 4133. The glycine at codon 1378 is replaced by alanine, an amino acid with similar properties. This amino acid position is highly conserved in available vertebrate species. In addition, the in silico prediction for this alteration is inconclusive. Since supporting evidence is limited at this time, the clinical significance of this alteration remains unclear.